The following is an entry in ClinVar:

NM_000059.4(BRCA2):c.5780A>C (p.Glu1927Ala)

Gene: BRCA2 (BRCA2 DNA repair associated; plus strand). Cytogenetic location: 13q13.1.
Variant type: single nucleotide variant.
Coding change: c.5780A>C on transcript NM_000059.4 (MANE Select); coding-DNA position 5780, A replaced by C.
Protein change: p.Glu1927Ala; replaces glutamic acid 1927 with alanine.
Molecular consequence: missense variant. On other transcripts: non-coding transcript variant (1), intron variant (2).
Genome position (GRCh38, 1-based): chr13:32,340,135, A>C. VCF-style: chr13-32340135-A-C. GRCh37 (hg19) VCF-style: chr13-32914272-A-C.
Other names: c.5780A>C, p.Glu1927Ala (NM_001406719.1, NM_001406720.1, NM_001432077.1); c.1910-4423A>C (NM_001406721.1); c.425-4423A>C (NM_001406722.1); short protein forms E1927A.
Identifiers: ClinVar variation 5033276 (VCV005033276.1).

ClinVar aggregate classification (germline): Uncertain significance (1 of 4 stars; one submission).

Conditions:
Hereditary cancer-predisposing syndrome. Also called: Neoplastic Syndromes, Hereditary; Tumor predisposition; Hereditary neoplastic syndrome; Hereditary Cancer Syndrome. Identifiers: Orphanet 140162, MedGen C0027672, MeSH D009386, MONDO:0015356.

Submission:

Ambry Genetics
Classification: Uncertain significance for Hereditary cancer-predisposing syndrome. Last evaluated: 2026-07-06. Review status: criteria provided, single submitter. Criteria: Ambry Variant Classification Scheme 2023. Collection method: clinical testing. Allele origin: germline.
Comment: The p.E1927A variant (also known as c.5780A>C), located in coding exon 10 of the BRCA2 gene, results from an A to C substitution at nucleotide position 5780. The glutamic acid at codon 1927 is replaced by alanine, an amino acid with dissimilar properties. This amino acid position is conserved. In addition, the in silico prediction for this alteration is inconclusive. Based on the available evidence, the clinical significance of this variant remains unclear.